The following is an entry in ClinVar:

ClinVar aggregate classification (germline): Uncertain significance (1 of 4 stars; one submission).

Conditions:
Long QT syndrome (LQTS). Identifiers: MedGen C0023976, MeSH D008133, MONDO:0002442. Disease mechanism: loss of function. Inheritance: Various modes of inheritance.

Submission:

Labcorp Genetics (formerly Invitae), Labcorp
Classification: Uncertain significance for Long QT syndrome. Last evaluated: 2021-09-14. Review status: criteria provided, single submitter. Criteria: Invitae Variant Classification Sherloc (09022015). Collection method: clinical testing. Allele origin: germline.
Comment: In summary, the available evidence is currently insufficient to determine the role of this variant in disease. Therefore, it has been classified as a Variant of Uncertain Significance. Algorithms developed to predict the effect of missense changes on protein structure and function are either unavailable or do not agree on the potential impact of this missense change (SIFT: "Deleterious"; PolyPhen-2: "Benign"; Align-GVGD: "Class C0"). This variant has not been reported in the literature in individuals affected with KCNH2-related conditions. The frequency data for this variant in the population databases is considered unreliable, as metrics indicate insufficient coverage at this position in the ExAC database. This sequence change replaces proline with arginine at codon 297 of the KCNH2 protein (p.Pro297Arg). The proline residue is weakly conserved and there is a moderate physicochemical difference between proline and arginine.

NM_000238.4(KCNH2):c.890C>G (p.Pro297Arg)

Gene: KCNH2 (potassium voltage-gated channel subfamily H member 2; minus strand). Cytogenetic location: 7q36.1.
Variant type: single nucleotide variant.
Coding change: c.890C>G on transcript NM_000238.4 (MANE Select); coding-DNA position 890, C replaced by G.
Protein change: p.Pro297Arg; replaces proline 297 with arginine.
Molecular consequence: missense variant.
Genome position (GRCh38, 1-based): chr7:150,958,085, G>C on the plus strand (C>G on the coding strand, the complement: KCNH2 is on the minus strand). VCF-style: chr7-150958085-G-C. GRCh37 (hg19) VCF-style: chr7-150655173-G-C.
Other names: c.602C>G, p.Pro201Arg (NM_001406753.1, NM_001406756.1); c.713C>G, p.Pro238Arg (NM_001406755.1); c.590C>G, p.Pro197Arg (NM_001406757.1); c.890C>G, p.Pro297Arg (NM_172056.3); short protein forms P297R, P197R, P201R, P238R.
Identifiers: ClinVar variation 1504975 (VCV001504975.7), dbSNP rs2117002630, ClinGen allele CA369862131.